The following is an entry in ClinVar:

ClinVar aggregate classification (germline): Uncertain significance (1 of 4 stars; one submission).

Conditions:
Neuropathy, hereditary sensory, type 2C. Also called: KIF1A-Related HSAN2 (HSAN2C); Hereditary sensory and autonomic neuropathy type IIC. Identifiers: Orphanet 970, MedGen C3280168, MONDO:0013634, OMIM 614213.
Hereditary spastic paraplegia 30. Identifiers: Orphanet 101010, MedGen C5235139, MONDO:0012476.
Intellectual disability, autosomal dominant 9 (NESCAVS). Also called: NESCAV SYNDROME; KIF1A-Related Neurodevelopmental Disorder. Identifiers: Orphanet 662367, MedGen C5393830, MONDO:0013656, OMIM 614255.

Submission:

Labcorp Genetics (formerly Invitae), Labcorp
Classification: Uncertain significance for Hereditary spastic paraplegia 30; Neuropathy, hereditary sensory, type 2C; Intellectual disability, autosomal dominant 9. Last evaluated: 2023-07-08. Review status: criteria provided, single submitter. Criteria: Invitae Variant Classification Sherloc (09022015). Collection method: clinical testing. Allele origin: germline.
Comment: This sequence change replaces leucine, which is neutral and non-polar, with proline, which is neutral and non-polar, at codon 407 of the KIF1A protein (p.Leu407Pro). This variant is not present in population databases (gnomAD no frequency). This variant has not been reported in the literature in individuals affected with KIF1A-related conditions. Advanced modeling of protein sequence and biophysical properties (such as structural, functional, and spatial information, amino acid conservation, physicochemical variation, residue mobility, and thermodynamic stability) performed at Invitae indicates that this missense variant is expected to disrupt KIF1A protein function. In summary, the available evidence is currently insufficient to determine the role of this variant in disease. Therefore, it has been classified as a Variant of Uncertain Significance.

NM_001244008.2(KIF1A):c.1247T>C (p.Leu416Pro)

Gene: KIF1A (kinesin family member 1A; minus strand). Cytogenetic location: 2q37.3.
Variant type: single nucleotide variant.
Coding change: c.1247T>C on transcript NM_001244008.2 (MANE Select); coding-DNA position 1247, T replaced by C.
Protein change: p.Leu416Pro; replaces leucine 416 with proline.
Molecular consequence: missense variant.
Genome position (GRCh38, 1-based): chr2:240,771,065, A>G on the plus strand (T>C on the coding strand, the complement: KIF1A is on the minus strand). VCF-style: chr2-240771065-A-G. GRCh37 (hg19) VCF-style: chr2-241710482-A-G.
Other names: c.1247T>C, p.Leu416Pro (NM_001320705.2, NM_001330289.2, NM_001379638.1); c.1322T>C, p.Leu441Pro (NM_001330290.2, NM_001379631.1, NM_001379634.1 and 2 more transcripts); c.1220T>C, p.Leu407Pro (NM_001379632.1, NM_001379633.1, NM_001379636.1 and 11 more transcripts); c.1295T>C, p.Leu432Pro (NM_001379637.1, NM_001379648.1); short protein forms L432P, L407P, L416P, L441P.
Identifiers: ClinVar variation 2949672 (VCV002949672.3), dbSNP rs2537866561, ClinGen allele CA351330590.